The following is an entry in ClinVar:

ClinVar aggregate classification (germline): Uncertain significance (1 of 4 stars; one submission).

Submission:

Labcorp Genetics (formerly Invitae), Labcorp
Classification: Uncertain significance. Last evaluated: 2023-11-21. Review status: criteria provided, single submitter. Criteria: Invitae Variant Classification Sherloc (09022015). Collection method: clinical testing. Allele origin: germline.
Comment: This sequence change replaces glutamic acid, which is acidic and polar, with aspartic acid, which is acidic and polar, at codon 320 of the COL9A3 protein (p.Glu320Asp). This variant is not present in population databases (gnomAD no frequency). This variant has not been reported in the literature in individuals affected with COL9A3-related conditions. Advanced modeling of protein sequence and biophysical properties (such as structural, functional, and spatial information, amino acid conservation, physicochemical variation, residue mobility, and thermodynamic stability) performed at Invitae indicates that this missense variant is not expected to disrupt COL9A3 protein function with a negative predictive value of 95%. In summary, the available evidence is currently insufficient to determine the role of this variant in disease. Therefore, it has been classified as a Variant of Uncertain Significance.

NM_001853.4(COL9A3):c.960G>T (p.Glu320Asp)

Gene: COL9A3 (collagen type IX alpha 3 chain; plus strand). Cytogenetic location: 20q13.33.
Variant type: single nucleotide variant.
Coding change: c.960G>T on transcript NM_001853.4 (MANE Select); coding-DNA position 960, G replaced by T.
Protein change: p.Glu320Asp; replaces glutamic acid 320 with aspartic acid.
Molecular consequence: missense variant.
Genome position (GRCh38, 1-based): chr20:62,828,928, G>T. VCF-style: chr20-62828928-G-T. GRCh37 (hg19) VCF-style: chr20-61460280-G-T.
Other names: short protein forms E320D.
Identifiers: ClinVar variation 2698019 (VCV002698019.3), dbSNP rs2063574436, ClinGen allele CA409593146.